The following is an entry in ClinVar:

ClinVar aggregate classification (germline): Uncertain significance. Review status: criteria provided, multiple submitters, no conflicts (2 of 4 stars). 3 submissions from 3 submitters: Uncertain significance (3). Last evaluated 2025-12-23.

Conditions:
Hereditary cancer-predisposing syndrome. Also called: Neoplastic Syndromes, Hereditary; Tumor predisposition; Hereditary Cancer Syndrome; Hereditary neoplastic syndrome. Identifiers: Orphanet 140162, MedGen C0027672, MeSH D009386, MONDO:0015356.
Carney complex, type 1 (CNC1). Also called: CARNEY MYXOMA-ENDOCRINE COMPLEX; CARNEY COMPLEX, TYPE I. Identifiers: Orphanet 1359, MedGen C2607929, MONDO:0008057, OMIM 160980.

Allele frequency attached by ClinVar (database versions not stated): gnomAD 0.00001; gnomAD exomes 0.00001; TOPMed 0.00001.
gnomAD v4.1: 10 of 1,613,866 alleles (0.00062%); highest among the groups gnomAD compares: Non-Finnish European, 0.00085%; no homozygotes.

Submissions (3):

Labcorp Genetics (formerly Invitae), Labcorp
Classification: Uncertain significance for Carney complex, type 1. Last evaluated: 2025-12-23. Review status: criteria provided, single submitter. Criteria: Invitae Variant Classification Sherloc (09022015). Collection method: clinical testing. Allele origin: germline.
Comment: This sequence change replaces proline, which is neutral and non-polar, with leucine, which is neutral and non-polar, at codon 87 of the PRKAR1A protein (p.Pro87Leu). This variant is present in population databases (no rsID available, gnomAD 0.002%). This variant has not been reported in the literature in individuals affected with PRKAR1A-related conditions. ClinVar contains an entry for this variant (Variation ID: 640782). Invitae Evidence Modeling of protein sequence and biophysical properties (such as structural, functional, and spatial information, amino acid conservation, physicochemical variation, residue mobility, and thermodynamic stability) indicates that this missense variant is not expected to disrupt PRKAR1A protein function with a negative predictive value of 95%. In summary, the available evidence is currently insufficient to determine the role of this variant in disease. Therefore, it has been classified as a Variant of Uncertain Significance.

Ambry Genetics
Classification: Uncertain significance for Hereditary cancer-predisposing syndrome. Last evaluated: 2023-12-18. Review status: criteria provided, single submitter. Criteria: Ambry Variant Classification Scheme 2023. Collection method: clinical testing. Allele origin: germline.
Comment: The p.P87L variant (also known as c.260C>T), located in coding exon 2 of the PRKAR1A gene, results from a C to T substitution at nucleotide position 260. The proline at codon 87 is replaced by leucine, an amino acid with similar properties. This amino acid position is highly conserved in available vertebrate species. In addition, the in silico prediction for this alteration is inconclusive. Since supporting evidence is limited at this time, the clinical significance of this alteration remains unclear.

GeneDx
Classification: Uncertain significance. Last evaluated: 2023-05-15. Review status: criteria provided, single submitter. Criteria: GeneDx Variant Classification Process June 2021. Collection method: clinical testing. Allele origin: germline. Affected: yes.
Comment: Not observed at significant frequency in large population cohorts (gnomAD); In silico analysis supports that this missense variant does not alter protein structure/function; Has not been previously published as pathogenic or benign to our knowledge

NM_002734.5(PRKAR1A):c.260C>T (p.Pro87Leu)

Gene: PRKAR1A (protein kinase cAMP-dependent type I regulatory subunit alpha; plus strand). Cytogenetic location: 17q24.2.
Variant type: single nucleotide variant.
Coding change: c.260C>T on transcript NM_002734.5 (MANE Select); coding-DNA position 260, C replaced by T.
Protein change: p.Pro87Leu; replaces proline 87 with leucine.
Molecular consequence: missense variant.
Genome position (GRCh38, 1-based): chr17:68,522,838, C>T. VCF-style: chr17-68522838-C-T. GRCh37 (hg19) VCF-style: chr17-66518979-C-T.
Other names: c.260C>T, p.Pro87Leu (NM_001276289.2, NM_001276290.1, NM_001278433.2 and 4 more transcripts); short protein forms P87L.
Identifiers: ClinVar variation 640782 (VCV000640782.12), dbSNP rs1165953688, ClinGen allele CA400752333.